The following is an entry in ClinVar:

ClinVar aggregate classification (germline): Benign. Review status: criteria provided, multiple submitters, no conflicts (2 of 4 stars). 3 submissions from 2 submitters: Benign (3). Last evaluated 2018-01-12.

Conditions:
Aortic aneurysm, familial thoracic 4 (AAT4). Also called: AORTIC ANEURYSM/AORTIC DISSECTION AND PATENT DUCTUS ARTERIOSUS. Identifiers: MedGen C1851504, MONDO:0007568, OMIM 132900.
Lissencephaly 4 (LIS4). Also called: Lissencephaly 4 (with microcephaly). Identifiers: Orphanet 1083, MedGen C3151461, MONDO:0013527, OMIM 614019.

Allele frequency attached by ClinVar (database versions not stated): gnomAD exomes 0.02458; gnomAD 0.07643 and 0.08006; TOPMed 0.08171; 1000 Genomes Project 0.09065; 1000 Genomes Project 30x 0.09603.
gnomAD v4.1: 18,498 of 428,252 alleles (4.3%); highest among the groups gnomAD compares: African/African-American, 22%; 1,305 homozygotes.

Submissions (3):

Illumina Laboratory Services, Illumina
Classification: Benign for Aortic aneurysm, familial thoracic 4. Last evaluated: 2018-01-12. Review status: criteria provided, single submitter. Criteria: ICSL Variant Classification Criteria 13 December 2019. Collection method: clinical testing. Allele origin: germline.
Comment: This variant was observed in the ICSL laboratory as part of a predisposition screen in an ostensibly healthy population. It had not been previously curated by ICSL or reported in the Human Gene Mutation Database (HGMD: prior to June 1st, 2018), and was therefore a candidate for classification through an automated scoring system. Utilizing variant allele frequency, disease prevalence and penetrance estimates, and inheritance mode, an automated score was calculated to assess if this variant is too frequent to cause the disease. Based on the score and internal cut-off values, a variant classified as benign is not then subjected to further curation. The score for this variant resulted in a classification of benign for this disease.

Illumina Laboratory Services, Illumina
Classification: Benign for Lissencephaly 4. Last evaluated: 2018-01-12. Review status: criteria provided, single submitter. Criteria: ICSL Variant Classification Criteria 13 December 2019. Collection method: clinical testing. Allele origin: germline.
Comment: the same text as in the submission from Illumina Laboratory Services, Illumina above.

Breakthrough Genomics
Classification: Benign. Review status: criteria provided, single submitter. Criteria: ACMG Guidelines, 2015. Collection method: not provided. Allele origin: germline. Inheritance: Autosomal recessive inheritance. Affected: yes.

NM_002474.3(MYH11):c.3859-479C>T

Genes: MYH11 (myosin heavy chain 11; minus strand), NDE1 (nudE neurodevelopment protein 1; plus strand). Cytogenetic location: 16p13.11.
Variant type: single nucleotide variant.
Coding change: c.3859-479C>T on transcript NM_002474.3 (MANE Select); 479 bases into the intron before coding-DNA position 3859, C replaced by T.
Molecular consequence: intron variant. On other transcripts: 3 prime UTR variant (2).
Genome position (GRCh38, 1-based): chr16:15,725,471, G>A on the plus strand (C>T on the coding strand, the complement: MYH11 is on the minus strand). VCF-style: chr16-15725471-G-A. GRCh37 (hg19) VCF-style: chr16-15819328-G-A.
Other names: c.*1220G>A (NM_001143979.2, NM_017668.3); c.3859-479C>T (NM_022844.3); c.3880-479C>T (NM_001040114.2, NM_001040113.2).
Identifiers: ClinVar variation 318142 (VCV000318142.7), dbSNP rs74009414, ClinGen allele CA10637262.